The following is an entry in ClinVar:

ClinVar aggregate classification (germline): Likely benign. Review status: criteria provided, multiple submitters, no conflicts (2 of 4 stars). 5 submissions from 5 submitters: Likely benign (5). Last evaluated 2025-10-01.

Conditions:
Inborn genetic diseases. Identifiers: MedGen C0950123, MeSH D030342.
Genitopatellar syndrome (GTPTS). Also called: ABSENT PATELLAE, SCROTAL HYPOPLASIA, RENAL ANOMALIES, FACIAL DYSMORPHISM, AND MENTAL RETARDATION; Genitopatellar syndrome (GPS). Identifiers: Orphanet 85201, MedGen C1853566, MONDO:0011640, OMIM 606170.

Allele frequency attached by ClinVar (database versions not stated): gnomAD exomes 0.00009 and 0.00023; TOPMed 0.00011; ExAC 0.00012; gnomAD 0.00014; ESP Exome Variant Server 0.00023.
gnomAD v4.1: 366 of 1,614,022 alleles (0.023%); highest among the groups gnomAD compares: Non-Finnish European, 0.029%; 1 homozygote.

Submissions (5):

CeGaT Center for Human Genetics Tuebingen
Classification: Likely benign. Last evaluated: 2025-10-01. Review status: criteria provided, single submitter. Criteria: CeGaT Center For Human Genetics Tuebingen Variant Classification Criteria Version 2. Collection method: clinical testing. Allele origin: germline. Affected: yes. Observed: 1 variant allele.
Comment: KAT6B: BP5, BS2

Labcorp Genetics (formerly Invitae), Labcorp
Classification: Likely benign for Genitopatellar syndrome. Last evaluated: 2025-07-23. Review status: criteria provided, single submitter. Criteria: Invitae Variant Classification Sherloc (09022015). Collection method: clinical testing. Allele origin: germline.

Blueprint Genetics
Classification: Likely benign. Last evaluated: 2024-11-06. Review status: criteria provided, single submitter. Criteria: ACMG Guidelines, 2015. Collection method: clinical testing. Allele origin: germline.

Ambry Genetics
Classification: Likely benign for Inborn genetic diseases. Last evaluated: 2023-02-08. Review status: criteria provided, single submitter. Criteria: Ambry Variant Classification Scheme 2023. Collection method: clinical testing. Allele origin: germline.

GeneDx
Classification: Likely benign. Last evaluated: 2019-08-01. Review status: criteria provided, single submitter. Criteria: GeneDx Variant Classification Process June 2021. Collection method: clinical testing. Allele origin: germline. Affected: yes.

NM_012330.4(KAT6B):c.2833C>T (p.Leu945Phe)

Gene: KAT6B (lysine acetyltransferase 6B; plus strand). Cytogenetic location: 10q22.2.
Variant type: single nucleotide variant.
Coding change: c.2833C>T on transcript NM_012330.4 (MANE Select); coding-DNA position 2833, C replaced by T.
Protein change: p.Leu945Phe; replaces leucine 945 with phenylalanine.
Molecular consequence: missense variant.
Genome position (GRCh38, 1-based): chr10:75,020,785, C>T. VCF-style: chr10-75020785-C-T. GRCh37 (hg19) VCF-style: chr10-76780543-C-T.
Other names: c.2833C>T (NM_012330.2); c.2284C>T, p.Leu762Phe (NM_001256468.2, NM_001370138.1); c.1957C>T, p.Leu653Phe (NM_001256469.2, NM_001370139.1, NM_001370140.1 and 2 more transcripts); c.1795C>T, p.Leu599Phe (NM_001370132.1); c.1144C>T, p.Leu382Phe (NM_001370133.1); c.748C>T, p.Leu250Phe (NM_001370134.1); c.490C>T, p.Leu164Phe (NM_001370135.1); c.2833C>T, p.Leu945Phe (NM_001370136.1, NM_001370137.1); and 1 more; short protein forms L945F, L590F, L382F, L164F, L250F, L599F, L653F, L762F.
Identifiers: ClinVar variation 424391 (VCV000424391.21), dbSNP rs200018142, ClinGen allele CA5564661.
Genomic context (GRCh38, chr10:75,020,785, plus strand): 5'-AAGGCAATTAGCAGAGCGACGGGCATGTGCCCACATGACATTGCCACCACTCTGCAGCAC[C>T]TCCACATGATCGACAAGAGAGATGGCAGGTGAGTCCTGGGACCCTGGGCAGCTCCGTGGC-3'
Protein context (NP_036462.2, residues 935-955): PHDIATTLQH[Leu945Phe]HMIDKRDGRF